The following is an entry in ClinVar:

ClinVar aggregate classification (germline): Likely benign. Review status: criteria provided, multiple submitters, no conflicts (2 of 4 stars). 4 submissions from 4 submitters: Likely benign (3). 1 of the submissions does not count toward it. Last evaluated 2025-12-13.

Conditions:
Colorectal cancer, susceptibility to, 12 (CRCS12). Also called: COLORECTAL CANCER, SUSCEPTIBILITY TO, ON CHROMOSOME 12q24. Identifiers: Orphanet 220460, MedGen C3554460, MONDO:0014038, OMIM 615083.

Allele frequency attached by ClinVar (database versions not stated): TOPMed 0.00002; gnomAD 0.00004.
gnomAD v4.1: 28 of 1,609,410 alleles (0.0017%); highest among the groups gnomAD compares: Admixed American, 0.0033%; no homozygotes.

Submissions (4):

Labcorp Genetics (formerly Invitae), Labcorp
Classification: Likely benign. Last evaluated: 2025-12-13. Review status: criteria provided, single submitter. Criteria: Invitae Variant Classification Sherloc (09022015). Collection method: clinical testing. Allele origin: germline.

Blueprint Genetics
Classification: Likely benign. Last evaluated: 2021-12-08. Review status: criteria provided, single submitter. Criteria: ACMG Guidelines, 2015. Collection method: clinical testing. Allele origin: germline.

GeneDx
Classification: Likely benign. Last evaluated: 2016-12-19. Review status: criteria provided, single submitter. Criteria: GeneDx Variant Classification (06012015). Collection method: clinical testing. Allele origin: germline. Affected: yes.
Comment: This variant is considered likely benign or benign based on one or more of the following criteria: it is a conservative change, it occurs at a poorly conserved position in the protein, it is predicted to be benign by multiple in silico algorithms, and/or has population frequency not consistent with disease.

Counsyl
Classification: Likely benign for Colorectal cancer, susceptibility to, 12. Last evaluated: 2016-07-26. Review status: no assertion criteria provided. Collection method: clinical testing. Allele origin: unknown. Not counted in ClinVar's aggregate classification.

NM_006231.4(POLE):c.2468+19G>A

Gene: POLE (DNA polymerase epsilon, catalytic subunit; minus strand). Cytogenetic location: 12q24.33.
Variant type: single nucleotide variant.
Coding change: c.2468+19G>A on transcript NM_006231.4 (MANE Select); 19 bases into the intron after coding-DNA position 2468, G replaced by A.
Molecular consequence: intron variant.
Genome position (GRCh38, 1-based): chr12:132,665,283, C>T on the plus strand (G>A on the coding strand, the complement: POLE is on the minus strand). VCF-style: chr12-132665283-C-T. GRCh37 (hg19) VCF-style: chr12-133241869-C-T.
Identifiers: ClinVar variation 371896 (VCV000371896.11), dbSNP rs768950827, ClinGen allele CA6893547.